The following is an entry in ClinVar:

ClinVar aggregate classification (germline): Uncertain significance. Review status: criteria provided, multiple submitters, no conflicts (2 of 4 stars). 3 submissions from 3 submitters: Uncertain significance (3). Last evaluated 2026-06-12.

Conditions:
Familial hypercholesterolemia. Also called: Familial hypercholesterolemias; Familial hypercholesterolaemia. Identifiers: MedGen C0020445, MONDO:0005439.
Familial hypobetalipoproteinemia 1. Also called: APOB-Related Familial Hypobetalipoproteinemia; Hypobetalipoproteinemia, normotriglyceridemic; Acanthocytosis with hypobetalipoproteinemia. Identifiers: MedGen C4551990, MONDO:0014252, OMIM 615558.
Hypercholesterolemia, autosomal dominant, type B (FHCL2). Also called: Familial Hypercholesterolemia Type B; APOLIPOPROTEIN B-100, FAMILIAL DEFECTIVE; APOLIPOPROTEIN B-100, FAMILIAL LIGAND-DEFECTIVE; HYPERCHOLESTEROLEMIA, FAMILIAL, DUE TO LIGAND-DEFECTIVE APOLIPOPROTEIN B; Hyperlipoproteinemia Type IIb; Familial hypercholesterolemia 2. Identifiers: MedGen C1704417, MONDO:0007751, OMIM 144010.
Cardiovascular phenotype. Identifiers: MedGen CN230736.

Allele frequency attached by ClinVar (database versions not stated): gnomAD 0.00001; ExAC 0.00002.
gnomAD v4.1: 36 of 1,613,918 alleles (0.0022%); highest among the groups gnomAD compares: Non-Finnish European, 0.0027%; no homozygotes.

Submissions (3):

Cambridge Genomics Laboratory, East Genomic Laboratory Hub, NHS Genomic Medicine Service
Classification: Uncertain significance for Familial hypercholesterolaemia. Last evaluated: 2026-06-12. Review status: criteria provided, single submitter. Criteria: ACGS Best Practice Guidelines for Variant Classification in Rare Disease 2020. Collection method: clinical testing. Allele origin: germline. Affected: yes.
Comment: PM2_Supporting,PP4

Ambry Genetics
Classification: Uncertain significance for Cardiovascular phenotype. Last evaluated: 2026-01-02. Review status: criteria provided, single submitter. Criteria: Ambry Variant Classification Scheme 2023. Collection method: clinical testing. Allele origin: germline.
Comment: The p.K3028N variant (also known as c.9084G>C), located in coding exon 26 of the APOB gene, results from a G to C substitution at nucleotide position 9084. The lysine at codon 3028 is replaced by asparagine, an amino acid with similar properties. This amino acid position is conserved. In addition, this alteration is predicted to be tolerated by in silico analysis. Based on the available evidence, the clinical significance of this variant remains unclear.

Labcorp Genetics (formerly Invitae), Labcorp
Classification: Uncertain significance for Familial hypobetalipoproteinemia 1; Hypercholesterolemia, autosomal dominant, type B. Last evaluated: 2023-07-25. Review status: criteria provided, single submitter. Criteria: Invitae Variant Classification Sherloc (09022015). Collection method: clinical testing. Allele origin: germline.
Comment: In summary, the available evidence is currently insufficient to determine the role of this variant in disease. Therefore, it has been classified as a Variant of Uncertain Significance. Advanced modeling of protein sequence and biophysical properties (such as structural, functional, and spatial information, amino acid conservation, physicochemical variation, residue mobility, and thermodynamic stability) performed at Invitae indicates that this missense variant is not expected to disrupt APOB protein function. This variant has not been reported in the literature in individuals affected with APOB-related conditions. This variant is present in population databases (rs745419215, gnomAD 0.003%). This sequence change replaces lysine, which is basic and polar, with asparagine, which is neutral and polar, at codon 3028 of the APOB protein (p.Lys3028Asn).

NM_000384.3(APOB):c.9084G>C (p.Lys3028Asn)

Gene: APOB (apolipoprotein B; minus strand). Cytogenetic location: 2p24.1.
Variant type: single nucleotide variant.
Coding change: c.9084G>C on transcript NM_000384.3 (MANE Select); coding-DNA position 9084, G replaced by C.
Protein change: p.Lys3028Asn; replaces lysine 3028 with asparagine.
Molecular consequence: missense variant.
Genome position (GRCh38, 1-based): chr2:21,007,784, C>G on the plus strand (G>C on the coding strand, the complement: APOB is on the minus strand). VCF-style: chr2-21007784-C-G. GRCh37 (hg19) VCF-style: chr2-21230656-C-G.
Other names: c.9084G>C (NM_000384.2); short protein forms K3028N.
Identifiers: ClinVar variation 2924313 (VCV002924313.5), dbSNP rs745419215, ClinGen allele CA066278.